The following is an entry in ClinVar:

NM_001034852.3(SMOC1):c.661del (p.Ser221fs)

Gene: SMOC1 (SPARC related modular calcium binding 1; plus strand). Cytogenetic location: 14q24.2.
Variant type: Deletion.
Coding change: c.661del on transcript NM_001034852.3 (MANE Select); coding-DNA position 661, one base deleted (T; older notation c.661delT).
Protein change: p.Ser221fs; shifts the reading frame from serine 221.
Molecular consequence: frameshift variant.
Genome position (GRCh38, 1-based): chr14:69,994,477, T deleted; the last of 2 consecutive T bases (chr14:69,994,476-69,994,477); deleting either gives the same sequence. VCF-style (leftmost placement, unchanged base first): chr14-69994475-AT-A. GRCh37 (hg19) VCF-style: chr14-70461192-AT-A.
Other names: c.694delT, p.Ser232Glnfs (NM_001425244.1, NM_001425245.1); c.661del, p.Ser221fs (NM_022137.6); short protein forms S221fs.
Identifiers: ClinVar variation 3026644 (VCV003026644.22), dbSNP rs2503280308, ClinGen allele CA2740097126.

ClinVar aggregate classification (germline): Pathogenic (1 of 4 stars; one submission).

Submission:

CeGaT Center for Human Genetics Tuebingen
Classification: Pathogenic. Last evaluated: 2023-12-01. Review status: criteria provided, single submitter. Criteria: CeGaT Center For Human Genetics Tuebingen Variant Classification Criteria Version 2. Collection method: clinical testing. Allele origin: germline. Affected: yes. Observed: 1 variant allele.
Comment: SMOC1: PVS1, PM2